The following is an entry in ClinVar:

NM_005611.4(RBL2):c.2046A>G (p.Leu682=)

Gene: RBL2 (RB transcriptional corepressor like 2; plus strand). Cytogenetic location: 16q12.2.
Variant type: single nucleotide variant.
Coding change: c.2046A>G on transcript NM_005611.4 (MANE Select); coding-DNA position 2046, A replaced by G.
Protein change: p.Leu682=; no amino-acid change (leucine 682 retained).
Molecular consequence: synonymous variant.
Genome position (GRCh38, 1-based): chr16:53,469,986, A>G. VCF-style: chr16-53469986-A-G. GRCh37 (hg19) VCF-style: chr16-53503898-A-G.
Other names: c.2046A>G, p.Leu682= (NM_001323608.2, NM_001323609.2, NM_001323610.2); c.1824A>G, p.Leu608= (NM_001323611.1).
Identifiers: ClinVar variation 3778145 (VCV003778145.7).

ClinVar aggregate classification (germline): Likely benign (1 of 4 stars; one submission).

gnomAD v4.1: 18 of 1,614,136 alleles (0.0011%); highest among the groups gnomAD compares: South Asian, 0.019%; no homozygotes.

Submission:

CeGaT Center for Human Genetics Tuebingen
Classification: Likely benign. Last evaluated: 2025-03-01. Review status: criteria provided, single submitter. Criteria: CeGaT Center For Human Genetics Tuebingen Variant Classification Criteria Version 2. Collection method: clinical testing. Allele origin: germline. Affected: yes. Observed: 1 variant allele.
Comment: RBL2: BP4, BP7